The following is an entry in ClinVar:

ClinVar aggregate classification (germline): Conflicting classifications of pathogenicity. Review status: criteria provided, conflicting classifications (1 of 4 stars). 4 submissions from 4 submitters: Uncertain significance (3); Likely benign (1). Last evaluated 2024-12-11.

Conditions:
Inborn genetic diseases. Identifiers: MedGen C0950123, MeSH D030342.
Blepharophimosis - intellectual disability syndrome, SBBYS type (SBBYSS). Also called: Say-Barber-Biesecker variant of Ohdo syndrome (SBBYSS); Say-Barber-Biesecker-Young-Simpson variant of Ohdo Syndrome; Say-Barber-Biesecker Variant of Ohdo Syndrome; Young Simpson syndrome; Mental retardation unusual facies hypothyroidism; Ohdo syndrome, SBBYS variant. Identifiers: Orphanet 3047, MedGen C1863557, MONDO:0011365, OMIM 603736.
Genitopatellar syndrome (GTPTS). Also called: Genitopatellar syndrome (GPS); ABSENT PATELLAE, SCROTAL HYPOPLASIA, RENAL ANOMALIES, FACIAL DYSMORPHISM, AND MENTAL RETARDATION. Identifiers: Orphanet 85201, MedGen C1853566, MONDO:0011640, OMIM 606170.

Allele frequency attached by ClinVar (database versions not stated): gnomAD 0.00003; TOPMed 0.00003.
gnomAD v4.1: 16 of 1,613,402 alleles (0.00099%); highest among the groups gnomAD compares: Admixed American, 0.0017%; no homozygotes.

Submissions (4):

Ambry Genetics
Classification: Likely benign for Inborn genetic diseases. Last evaluated: 2024-12-11. Review status: criteria provided, single submitter. Criteria: Ambry Variant Classification Scheme 2023. Collection method: clinical testing. Allele origin: germline.

Women's Health and Genetics/Laboratory Corporation of America, LabCorp
Classification: Uncertain significance. Last evaluated: 2024-11-13. Review status: criteria provided, single submitter. Criteria: LabCorp Variant Classification Summary - May 2015. Collection method: clinical testing. Allele origin: germline.
Comment: Variant summary: KAT6B c.2324A>T (p.His775Leu) results in a non-conservative amino acid change located in the MYST-type histone acetyltransferase domain (IPR002717) of the encoded protein sequence. Five of five in-silico tools predict a damaging effect of the variant on protein function. The variant allele was found at a frequency of 1.2e-05 in 251014 control chromosomes. The available data on variant occurrences in the general population are insufficient to allow any conclusion about variant significance. To our knowledge, no occurrence of c.2324A>T in individuals affected with KAT6B-Related Spectrum Disorders and no experimental evidence demonstrating its impact on protein function have been reported. ClinVar contains an entry for this variant (Variation ID: 2041235). Based on the evidence outlined above, the variant was classified as uncertain significance.

Fulgent Genetics
Classification: Uncertain significance for Blepharophimosis - intellectual disability syndrome, SBBYS type; Genitopatellar syndrome. Last evaluated: 2024-02-29. Review status: criteria provided, single submitter. Criteria: ACMG Guidelines, 2015. Collection method: clinical testing. Allele origin: germline.

Labcorp Genetics (formerly Invitae), Labcorp
Classification: Uncertain significance for Genitopatellar syndrome. Last evaluated: 2023-08-06. Review status: criteria provided, single submitter. Criteria: Invitae Variant Classification Sherloc (09022015). Collection method: clinical testing. Allele origin: germline.
Comment: This variant is present in population databases (rs752359931, gnomAD 0.003%). This sequence change replaces histidine, which is basic and polar, with leucine, which is neutral and non-polar, at codon 775 of the KAT6B protein (p.His775Leu). This variant has not been reported in the literature in individuals affected with KAT6B-related conditions. In summary, the available evidence is currently insufficient to determine the role of this variant in disease. Therefore, it has been classified as a Variant of Uncertain Significance. Advanced modeling of protein sequence and biophysical properties (such as structural, functional, and spatial information, amino acid conservation, physicochemical variation, residue mobility, and thermodynamic stability) performed at Invitae indicates that this missense variant is not expected to disrupt KAT6B protein function. ClinVar contains an entry for this variant (Variation ID: 2041235).

NM_012330.4(KAT6B):c.2324A>T (p.His775Leu)

Gene: KAT6B (lysine acetyltransferase 6B; plus strand). Cytogenetic location: 10q22.2.
Variant type: single nucleotide variant.
Coding change: c.2324A>T on transcript NM_012330.4 (MANE Select); coding-DNA position 2324, A replaced by T.
Protein change: p.His775Leu; replaces histidine 775 with leucine.
Molecular consequence: missense variant. On other transcripts: intron variant (2).
Genome position (GRCh38, 1-based): chr10:74,981,879, A>T. VCF-style: chr10-74981879-A-T. GRCh37 (hg19) VCF-style: chr10-76741637-A-T.
Other names: c.2324A>T (NM_012330.2); c.1775A>T, p.His592Leu (NM_001256468.2, NM_001370138.1); c.1448A>T, p.His483Leu (NM_001256469.2, NM_001370132.1, NM_001370139.1 and 3 more transcripts); c.401A>T, p.His134Leu (NM_001370134.1); c.2324A>T, p.His775Leu (NM_001370136.1, NM_001370137.1); c.1259A>T, p.His420Leu (NM_001370143.1, NM_001370144.1); c.847-7140A>T (NM_001370133.1); c.193-7140A>T (NM_001370135.1); short protein forms H420L, H775L, H134L, H483L, H592L.
Identifiers: ClinVar variation 2041235 (VCV002041235.7), dbSNP rs752359931, ClinGen allele CA5564572.
Genomic context (GRCh38, chr10:74,981,879, plus strand): 5'-TTAAATATATGAAAAGTAAAAATATTTTGCTAAGACACTCCAAGAAGTGTGGATGGTTTC[A>T]TCCTCCAGCAAATGAAATTTACCGAAGGAAAGACCTTTCAGTATTTGAGGTAAGCGCGTG-3'
Protein context (NP_036462.2, residues 765-785): LRHSKKCGWF[His775Leu]PPANEIYRRK